The following is an entry in ClinVar:

NM_001854.4(COL11A1):c.167A>C (p.Lys56Thr)

Gene: COL11A1 (collagen type XI alpha 1 chain; minus strand). Cytogenetic location: 1p21.1.
Variant type: single nucleotide variant.
Coding change: c.167A>C on transcript NM_001854.4 (MANE Select); coding-DNA position 167, A replaced by C.
Protein change: p.Lys56Thr; replaces lysine 56 with threonine.
Molecular consequence: missense variant. On other transcripts: non-coding transcript variant (1).
Genome position (GRCh38, 1-based): chr1:103,082,912, T>G on the plus strand (A>C on the coding strand, the complement: COL11A1 is on the minus strand). VCF-style: chr1-103082912-T-G. GRCh37 (hg19) VCF-style: chr1-103548468-T-G.
Other names: c.167A>C, p.Lys56Thr (NM_001190709.2, NM_080629.3, NM_080630.4); short protein forms K56T.
Identifiers: ClinVar variation 4799918 (VCV004799918.1).

ClinVar aggregate classification (germline): Uncertain significance (1 of 4 stars; one submission).

Submission:

Labcorp Genetics (formerly Invitae), Labcorp
Classification: Uncertain significance. Last evaluated: 2025-09-09. Review status: criteria provided, single submitter. Criteria: Invitae Variant Classification Sherloc (09022015). Collection method: clinical testing. Allele origin: germline.
Comment: This sequence change replaces lysine, which is basic and polar, with threonine, which is neutral and polar, at codon 56 of the COL11A1 protein (p.Lys56Thr). This variant is not present in population databases (gnomAD no frequency). This variant has not been reported in the literature in individuals affected with COL11A1-related conditions. Invitae Evidence Modeling of protein sequence and biophysical properties (such as structural, functional, and spatial information, amino acid conservation, physicochemical variation, residue mobility, and thermodynamic stability) indicates that this missense variant is not expected to disrupt COL11A1 protein function with a negative predictive value of 95%. In summary, the available evidence is currently insufficient to determine the role of this variant in disease. Therefore, it has been classified as a Variant of Uncertain Significance.